The following is an entry in ClinVar:

ClinVar aggregate classification (germline): Uncertain significance. Review status: criteria provided, multiple submitters, no conflicts (2 of 4 stars). 2 submissions from 2 submitters: Uncertain significance (2). Last evaluated 2025-09-04.

Conditions:
Inborn genetic diseases. Identifiers: MedGen C0950123, MeSH D030342.
Fanconi anemia (FA). Also called: Fanconi's anemia. Identifiers: Orphanet 84, MedGen C0015625, MeSH D005199, MONDO:0019391.

Submissions (2):

Ambry Genetics
Classification: Uncertain significance for Inborn genetic diseases. Last evaluated: 2025-09-04. Review status: criteria provided, single submitter. Criteria: Ambry Variant Classification Scheme 2023. Collection method: clinical testing. Allele origin: germline.

Labcorp Genetics (formerly Invitae), Labcorp
Classification: Uncertain significance for Fanconi anemia. Last evaluated: 2021-08-31. Review status: criteria provided, single submitter. Criteria: Invitae Variant Classification Sherloc (09022015). Collection method: clinical testing. Allele origin: germline.
Comment: This sequence change replaces glycine with cysteine at codon 75 of the FANCF protein (p.Gly75Cys). The glycine residue is highly conserved and there is a large physicochemical difference between glycine and cysteine. This variant is not present in population databases (ExAC no frequency). This variant has not been reported in the literature in individuals affected with FANCF-related conditions. Algorithms developed to predict the effect of missense changes on protein structure and function are either unavailable or do not agree on the potential impact of this missense change (SIFT: "Tolerated"; PolyPhen-2: "Possibly Damaging"; Align-GVGD: "Class C15"). In summary, the available evidence is currently insufficient to determine the role of this variant in disease. Therefore, it has been classified as a Variant of Uncertain Significance.

NM_022725.4(FANCF):c.223G>T (p.Gly75Cys)

Gene: FANCF (FA complementation group F; minus strand). Cytogenetic location: 11p14.3.
Variant type: single nucleotide variant.
Coding change: c.223G>T on transcript NM_022725.4 (MANE Select); coding-DNA position 223, G replaced by T.
Protein change: p.Gly75Cys; replaces glycine 75 with cysteine.
Molecular consequence: missense variant.
Genome position (GRCh38, 1-based): chr11:22,625,588, C>A on the plus strand (G>T on the coding strand, the complement: FANCF is on the minus strand). VCF-style: chr11-22625588-C-A. GRCh37 (hg19) VCF-style: chr11-22647134-C-A.
Other names: c.223G>T (NM_022725.3); short protein forms G75C.
Identifiers: ClinVar variation 1474031 (VCV001474031.6), dbSNP rs958516903, ClinGen allele CA219086655.
Genomic context (GRCh38, chr11:22,625,588, plus strand): 5'-GAGAGAGCAGGACGTCACAGTGACCGAGGGCCTGGAAGTTCGCTAATCCCGGAACTGGAC[C>A]CCGCCCAAAGCCGCCCTCTTGCCTCCACTGGTTGTGCAGCCGCCGCTCCAGAGCCGTGCG-3'
Protein context (NP_073562.1, residues 65-85): QWRQEGGFGR[Gly75Cys]PVPGLANFQA